The following is an entry in ClinVar:

NM_014846.4(WASHC5):c.344A>G (p.Asp115Gly)

Gene: WASHC5 (WASH complex subunit 5; minus strand). Cytogenetic location: 8q24.13.
Variant type: single nucleotide variant.
Coding change: c.344A>G on transcript NM_014846.4 (MANE Select); coding-DNA position 344, A replaced by G.
Protein change: p.Asp115Gly; replaces aspartic acid 115 with glycine.
Molecular consequence: missense variant. On other transcripts: 5 prime UTR variant (1).
Genome position (GRCh38, 1-based): chr8:125,082,456, T>C on the plus strand (A>G on the coding strand, the complement: WASHC5 is on the minus strand). VCF-style: chr8-125082456-T-C. GRCh37 (hg19) VCF-style: chr8-126094698-T-C.
Other names: c.-101A>G (NM_001330609.2); c.344A>G (NM_014846.3); short protein forms D115G.
Identifiers: ClinVar variation 810312 (VCV000810312.42), dbSNP rs1586389198, ClinGen allele CA372267467.
Genomic context (GRCh38, chr8:125,082,456, plus strand): 5'-CCATCTTCATTGAGAAGCACAGTTTCTAAGGTTTGCTGAATATAAACCCCTTCATTGAGA[T>C]CATCTAGATATCTAGAAATAAAACCACAGTGCAAGTTATTAATTTATAATAGAAACTTTA-3'
Protein context (NP_055661.3, residues 105-125): YIVDLNRYLD[Asp115Gly]LNEGVYIQQT

ClinVar aggregate classification (germline): Uncertain significance. Review status: criteria provided, multiple submitters, no conflicts (2 of 4 stars). 2 submissions from 2 submitters: Uncertain significance (2). Last evaluated 2023-05-30.

Allele frequency attached by ClinVar (database versions not stated): gnomAD exomes below 0.00001.
gnomAD v4.1: 3 of 1,562,444 alleles (0.00019%); highest among the groups gnomAD compares: Middle Eastern, 0.017%; no homozygotes.

Submissions (2):

GeneDx
Classification: Uncertain significance. Last evaluated: 2023-05-30. Review status: criteria provided, single submitter. Criteria: GeneDx Variant Classification Process June 2021. Collection method: clinical testing. Allele origin: germline. Affected: yes.
Comment: Not observed at significant frequency in large population cohorts (gnomAD); In silico analysis supports that this missense variant has a deleterious effect on protein structure/function; Has not been previously published as pathogenic or benign to our knowledge

CeGaT Center for Human Genetics Tuebingen
Classification: Uncertain significance. Last evaluated: 2019-02-01. Review status: criteria provided, single submitter. Criteria: CeGaT Center For Human Genetics Tuebingen Variant Classification Criteria Version 2. Collection method: clinical testing. Allele origin: germline. Affected: yes. Observed: 1 variant allele.